The following is an entry in ClinVar:

ClinVar aggregate classification (germline): Conflicting classifications of pathogenicity. Review status: criteria provided, conflicting classifications (1 of 4 stars). 2 submissions from 2 submitters: Uncertain significance (1); Likely benign (1). Last evaluated 2025-12-20.

Conditions:
Cutis laxa, X-linked (OHS). Also called: Occipital horn syndrome; EDS IX. Identifiers: Orphanet 198, MedGen C0268353, MONDO:0010572, OMIM 304150.
Menkes kinky-hair syndrome (MNK). Also called: Copper transport disease; Menkes Disease; Classic Menkes Disease. Identifiers: Orphanet 565, MedGen C0022716, MONDO:0010651, OMIM 309400.
X-linked distal spinal muscular atrophy type 3. Also called: ATP7A-Related Distal Motor Neuropathy; NEURONOPATHY, DISTAL HEREDITARY MOTOR, X-LINKED; NEUROPATHY, DISTAL HEREDITARY MOTOR, X-LINKED; SPINAL MUSCULAR ATROPHY, DISTAL, X-LINKED RECESSIVE. Identifiers: Orphanet 139557, MedGen C1845359, MONDO:0010338, OMIM 300489.

Allele frequency attached by ClinVar (database versions not stated): gnomAD exomes 0.00001 and 0.00002; TOPMed 0.00001; ExAC 0.00002; gnomAD 0.00002; ESP Exome Variant Server 0.00019.
gnomAD v4.1: 8 of 1,203,308 alleles (0.00066%); highest among the groups gnomAD compares: African/African-American, 0.012%; no homozygotes.

Submissions (2):

Labcorp Genetics (formerly Invitae), Labcorp
Classification: Uncertain significance for X-linked distal spinal muscular atrophy type 3; Cutis laxa, X-linked; Menkes kinky-hair syndrome. Last evaluated: 2025-12-20. Review status: criteria provided, single submitter. Criteria: Invitae Variant Classification Sherloc (09022015). Collection method: clinical testing. Allele origin: germline.
Comment: This sequence change falls in intron 16 of the ATP7A gene. It does not directly change the encoded amino acid sequence of the ATP7A protein. It affects a nucleotide within the consensus splice site. This variant is present in population databases (rs370596012, gnomAD 0.02%), including at least one homozygous and/or hemizygous individual. This variant has not been reported in the literature in individuals affected with ATP7A-related conditions. ClinVar contains an entry for this variant (Variation ID: 1431257). Variants that disrupt the consensus splice site are a relatively common cause of aberrant splicing (PMID: 17576681, 9536098). Algorithms developed to predict the effect of sequence changes on RNA splicing suggest that this variant is not likely to affect RNA splicing. In summary, the available evidence is currently insufficient to determine the role of this variant in disease. Therefore, it has been classified as a Variant of Uncertain Significance.

CeGaT Center for Human Genetics Tuebingen
Classification: Likely benign. Last evaluated: 2025-05-01. Review status: criteria provided, single submitter. Criteria: CeGaT Center For Human Genetics Tuebingen Variant Classification Criteria Version 2. Collection method: clinical testing. Allele origin: germline. Affected: yes. Observed: 1 variant allele.
Comment: ATP7A: BP4, BS2

Literature cited by the submitters: PubMed 17576681 (cited by Labcorp Genetics (formerly Invitae), Labcorp); PubMed 9536098 (cited by Labcorp Genetics (formerly Invitae), Labcorp).

NM_000052.7(ATP7A):c.3294+5A>C

Gene: ATP7A (ATPase copper transporting alpha; plus strand). Cytogenetic location: Xq21.1.
Variant type: single nucleotide variant.
Coding change: c.3294+5A>C on transcript NM_000052.7 (MANE Select); 5 bases into the intron after coding-DNA position 3294, A replaced by C.
Molecular consequence: intron variant.
Genome position (GRCh38, 1-based): chrX:78,031,587, A>C. VCF-style: chrX-78031587-A-C. GRCh37 (hg19) VCF-style: chrX-77287085-A-C.
Other names: c.3060+5A>C (NM_001282224.2).
Identifiers: ClinVar variation 1431257 (VCV001431257.16), dbSNP rs370596012, ClinGen allele CA10459397.